The following is an entry in ClinVar:

ClinVar aggregate classification (germline): Pathogenic (1 of 4 stars; one submission).

Conditions:
Familial thoracic aortic aneurysm and aortic dissection (TAAD). Also called: Thoracic aortic aneurysms and dissections. Identifiers: Orphanet 91387, MedGen C4707243, MONDO:0019625.
Marfan syndrome (MFS). Also called: MARFAN SYNDROME, TYPE I; Marfan syndrome type 1; Marfan's syndrome; Marfan syndrome, classic; FBN1-Related Marfan Syndrome. Identifiers: Orphanet 284963, Orphanet 558, MedGen C0024796, MONDO:0007947, OMIM 154700.

Submission:

Labcorp Genetics (formerly Invitae), Labcorp
Classification: Pathogenic for Marfan syndrome; Familial thoracic aortic aneurysm and aortic dissection. Last evaluated: 2022-10-16. Review status: criteria provided, single submitter. Criteria: Invitae Variant Classification Sherloc (09022015). Collection method: clinical testing. Allele origin: germline.
Comment: For these reasons, this variant has been classified as Pathogenic. This variant disrupts the p.Cys2221 amino acid residue in FBN1. Other variant(s) that disrupt this residue have been observed in individuals with FBN1-related conditions (PMID: 10486319, 11139245, 26787436), which suggests that this may be a clinically significant amino acid residue. This sequence change replaces cysteine, which is neutral and slightly polar, with glycine, which is neutral and non-polar, at codon 2221 of the FBN1 protein (p.Cys2221Gly). This variant is not present in population databases (gnomAD no frequency). This missense change has been observed in individual(s) with Marfan syndrome (PMID: 12203992). Advanced modeling of protein sequence and biophysical properties (such as structural, functional, and spatial information, amino acid conservation, physicochemical variation, residue mobility, and thermodynamic stability) performed at Invitae indicates that this missense variant is expected to disrupt FBN1 protein function. This variant affects a cysteine residue in the EGF-like, TGFBP or hybrid motif domains of FBN1. Cysteine residues are believed to be involved in intramolecular disulfide bridges and have been shown to be important for FBN1 protein structure (PMID: 16905551, 19349279). In addition, missense substitutions affecting cysteine residues within these domains are significantly overrepresented among patients with Marfan syndrome (PMID: 16571647, 17701892).

Literature cited by the submitters: PubMed 10486319; PubMed 11139245; PubMed 26787436; PubMed 12203992; PubMed 16905551; PubMed 19349279; PubMed 16571647; PubMed 17701892.

NM_000138.5(FBN1):c.6661T>G (p.Cys2221Gly)

Gene: FBN1 (fibrillin 1; minus strand). Cytogenetic location: 15q21.1.
Variant type: single nucleotide variant.
Coding change: c.6661T>G on transcript NM_000138.5 (MANE Select); coding-DNA position 6661, T replaced by G.
Protein change: p.Cys2221Gly; replaces cysteine 2221 with glycine.
Molecular consequence: missense variant.
Genome position (GRCh38, 1-based): chr15:48,432,944, A>C on the plus strand (T>G on the coding strand, the complement: FBN1 is on the minus strand). VCF-style: chr15-48432944-A-C. GRCh37 (hg19) VCF-style: chr15-48725141-A-C.
Other names: c.6661T>G, p.Cys2221Gly (NM_001406716.1); short protein forms C2221G.
Identifiers: ClinVar variation 2137680 (VCV002137680.4), dbSNP rs113543334, ClinGen allele CA392333557.